The following is an entry in ClinVar:

NM_001366385.1(CARD14):c.2035T>C (p.Phe679Leu)

Genes: CARD14 (caspase recruitment domain family member 14; plus strand), SGSH (N-sulfoglucosamine sulfohydrolase; minus strand). Cytogenetic location: 17q25.3.
Variant type: single nucleotide variant.
Coding change: c.2035T>C on transcript NM_001366385.1 (MANE Select); coding-DNA position 2035, T replaced by C.
Protein change: p.Phe679Leu; replaces phenylalanine 679 with leucine.
Molecular consequence: missense variant. On other transcripts: non-coding transcript variant (1).
Genome position (GRCh38, 1-based): chr17:80,202,236, T>C. VCF-style: chr17-80202236-T-C. GRCh37 (hg19) VCF-style: chr17-78176035-T-C.
Other names: c.2035T>C, p.Phe679Leu (NM_024110.4, NM_001257970.1); short protein forms F679L.
Identifiers: ClinVar variation 1063575 (VCV001063575.9), dbSNP rs772268382, ClinGen allele CA8817173.

ClinVar aggregate classification (germline): Uncertain significance (1 of 4 stars; one submission).

Conditions:
Psoriasis 2. Identifiers: MedGen C1864497, MONDO:0011269, OMIM 602723.
Pityriasis rubra pilaris (PRP). Also called: Pityriasis rubra pilaris--familial type. Identifiers: Orphanet 2897, MedGen C0032027, MONDO:0100017, OMIM 173200, MONDO:0008251.

Allele frequency attached by ClinVar (database versions not stated): gnomAD exomes below 0.00001; TOPMed below 0.00001; ExAC 0.00001.
gnomAD v4.1: 4 of 1,613,984 alleles (0.00025%); highest among the groups gnomAD compares: Non-Finnish European, 0.00025%; no homozygotes.

Submission:

Labcorp Genetics (formerly Invitae), Labcorp
Classification: Uncertain significance for Pityriasis rubra pilaris; Psoriasis 2. Last evaluated: 2020-10-19. Review status: criteria provided, single submitter. Criteria: Invitae Variant Classification Sherloc (09022015). Collection method: clinical testing. Allele origin: germline.
Comment: In summary, the available evidence is currently insufficient to determine the role of this variant in disease. Therefore, it has been classified as a Variant of Uncertain Significance. Algorithms developed to predict the effect of missense changes on protein structure and function are either unavailable or do not agree on the potential impact of this missense change (SIFT: "Deleterious"; PolyPhen-2: "Probably Damaging"; Align-GVGD: "Class C15"). This variant has not been reported in the literature in individuals with CARD14-related conditions. This variant is present in population databases (rs772268382, ExAC 0.002%). This sequence change replaces phenylalanine with leucine at codon 679 of the CARD14 protein (p.Phe679Leu). The phenylalanine residue is highly conserved and there is a small physicochemical difference between phenylalanine and leucine.